The following is an entry in ClinVar:

NM_001364857.2(ADGRB2):c.3655G>A (p.Val1219Met)

Gene: ADGRB2 (adhesion G protein-coupled receptor B2; minus strand). Cytogenetic location: 1p35.2.
Variant type: single nucleotide variant.
Coding change: c.3655G>A on transcript NM_001364857.2 (MANE Select); coding-DNA position 3655, G replaced by A.
Protein change: p.Val1219Met; replaces valine 1219 with methionine.
Molecular consequence: missense variant.
Genome position (GRCh38, 1-based): chr1:31,732,582, C>T on the plus strand (G>A on the coding strand, the complement: ADGRB2 is on the minus strand). VCF-style: chr1-31732582-C-T. GRCh37 (hg19) VCF-style: chr1-32198183-C-T.
Other names: c.3655G>A, p.Val1219Met (NM_001294335.2); c.3556G>A, p.Val1186Met (NM_001294336.2); short protein forms V1219M, V1186M.
Identifiers: ClinVar variation 3686877 (VCV003686877.2).

ClinVar aggregate classification (germline): Uncertain significance (1 of 4 stars; one submission).

gnomAD v4.1: 1 of 1,614,160 alleles (0.000062%); highest among the groups gnomAD compares: East Asian, 0.0022%; no homozygotes.

Submission:

Labcorp Genetics (formerly Invitae), Labcorp
Classification: Uncertain significance. Last evaluated: 2024-05-12. Review status: criteria provided, single submitter. Criteria: Invitae Variant Classification Sherloc (09022015). Collection method: clinical testing. Allele origin: germline.
Comment: This sequence change replaces valine, which is neutral and non-polar, with methionine, which is neutral and non-polar, at codon 1186 of the ADGRB2 protein (p.Val1186Met). This variant is present in population databases (rs565138835, gnomAD 0.006%). This variant has not been reported in the literature in individuals affected with ADGRB2-related conditions. An algorithm developed to predict the effect of missense changes on protein structure and function (PolyPhen-2) suggests that this variant is likely to be disruptive. In summary, the available evidence is currently insufficient to determine the role of this variant in disease. Therefore, it has been classified as a Variant of Uncertain Significance.